The following is an entry in ClinVar:

ClinVar aggregate classification (germline): Benign/Likely benign. Review status: criteria provided, multiple submitters, no conflicts (2 of 4 stars). 4 submissions from 4 submitters: Benign (1); Likely benign (2). 1 of the submissions does not count toward it. Last evaluated 2025-12-19.

Conditions:
C2CD3-related disorder. Also called: C2CD3-related condition.

Allele frequency attached by ClinVar (database versions not stated): ExAC 0.00035; ESP Exome Variant Server 0.00100; gnomAD 0.00119 and 0.00126; TOPMed 0.00130; 1000 Genomes Project 0.00180; 1000 Genomes Project 30x 0.00219.
gnomAD v4.1: 374 of 1,613,692 alleles (0.023%); highest among the groups gnomAD compares: African/African-American, 0.42%; no homozygotes.

Submissions (4):

Labcorp Genetics (formerly Invitae), Labcorp
Classification: Benign. Last evaluated: 2025-12-19. Review status: criteria provided, single submitter. Criteria: Invitae Variant Classification Sherloc (09022015). Collection method: clinical testing. Allele origin: germline.

Mayo Clinic Laboratories, Mayo Clinic
Classification: Likely benign. Last evaluated: 2025-04-26. Review status: criteria provided, single submitter. Criteria: ACMG Guidelines, 2015. Collection method: clinical testing. Allele origin: germline. Observed: 1 variant allele.
Comment: BS1, BP4, BP7

Blueprint Genetics
Classification: Likely benign. Last evaluated: 2024-08-06. Review status: criteria provided, single submitter. Criteria: ACMG Guidelines, 2015. Collection method: clinical testing. Allele origin: germline.

PreventionGenetics, part of Exact Sciences
Classification: Likely benign for C2CD3-related condition. Last evaluated: 2022-10-25. Review status: no assertion criteria provided. Collection method: clinical testing. Allele origin: germline. Not counted in ClinVar's aggregate classification.
Comment: This variant is classified as likely benign based on ACMG/AMP sequence variant interpretation guidelines (Richards et al. 2015 PMID: 25741868, with internal and published modifications).

NM_001286577.2(C2CD3):c.1122C>T (p.Asp374=)

Gene: C2CD3 (C2 domain containing 3 centriole elongation regulator; minus strand). Cytogenetic location: 11q13.4.
Variant type: single nucleotide variant.
Coding change: c.1122C>T on transcript NM_001286577.2 (MANE Select); coding-DNA position 1122, C replaced by T.
Protein change: p.Asp374=; no amino-acid change (aspartic acid 374 retained).
Molecular consequence: synonymous variant.
Genome position (GRCh38, 1-based): chr11:74,132,939, G>A on the plus strand (C>T on the coding strand, the complement: C2CD3 is on the minus strand). VCF-style: chr11-74132939-G-A. GRCh37 (hg19) VCF-style: chr11-73843984-G-A.
Other names: p.Asp374=; c.1122C>T, p.Asp374= (NM_015531.6); c.1122C>T (NM_015531.5, NM_001286577.1).
Identifiers: ClinVar variation 1623816 (VCV001623816.12), dbSNP rs114708917, ClinGen allele CA6183043.